The following is an entry in ClinVar:

ClinVar aggregate classification (germline): Uncertain significance (1 of 4 stars; one submission).

Conditions:
Menke-Hennekam syndrome 1 (MKHK1). Identifiers: MedGen C5193034, MONDO:0020763, OMIM 618332.
Rubinstein-Taybi syndrome due to CREBBP mutations (RSTS1). Also called: CREBBP-Related Rubinstein-Taybi Syndrome; RUBINSTEIN SYNDROME; RUBINSTEIN-TAYBI SYNDROME 1, INCOMPLETE; BROAD THUMB-HALLUX SYNDROME; BROAD THUMBS AND GREAT TOES, CHARACTERISTIC FACIES, AND IMPAIRED INTELLECTUAL DEVELOPMENT; Rubinstein-Taybi syndrome 1. Identifiers: Orphanet 353277, Orphanet 783, MedGen C4551859, MONDO:0008393, OMIM 180849.

Submission:

Juno Genomics, Hangzhou Juno Genomics, Inc
Classification: Uncertain significance for Menke-Hennekam syndrome 1; Rubinstein-Taybi syndrome due to CREBBP mutations. Review status: criteria provided, single submitter. Criteria: ACMG Guidelines, 2015. Collection method: clinical testing. Allele origin: germline.
Comment: Absent from controls (or at extremely low frequency if recessive) in Genome Aggregation Database.;Missense variant in a gene that has a low rate of benign missense variation.

NM_004380.3(CREBBP):c.278G>T (p.Ser93Ile)

Gene: CREBBP (CREB binding lysine acetyltransferase; minus strand). Cytogenetic location: 16p13.3.
Variant type: single nucleotide variant.
Coding change: c.278G>T on transcript NM_004380.3 (MANE Select); coding-DNA position 278, G replaced by T.
Protein change: p.Ser93Ile; replaces serine 93 with isoleucine.
Molecular consequence: missense variant.
Genome position (GRCh38, 1-based): chr16:3,850,817, C>A on the plus strand (G>T on the coding strand, the complement: CREBBP is on the minus strand). VCF-style: chr16-3850817-C-A. GRCh37 (hg19) VCF-style: chr16-3900818-C-A.
Other names: c.278G>T, p.Ser93Ile (NM_001079846.1); short protein forms S93I.
Identifiers: ClinVar variation 5019879 (VCV005019879.2).